The following is an entry in ClinVar:

NM_014270.5(SLC7A9):c.749+1G>C

Gene: SLC7A9 (solute carrier family 7 member 9; minus strand). Cytogenetic location: 19q13.11.
Variant type: single nucleotide variant.
Coding change: c.749+1G>C on transcript NM_014270.5 (MANE Select); the canonical splice donor site of the intron after coding-DNA position 749, G replaced by C.
Molecular consequence: splice donor variant.
Genome position (GRCh38, 1-based): chr19:32,860,605, C>G on the plus strand (G>C on the coding strand, the complement: SLC7A9 is on the minus strand). VCF-style: chr19-32860605-C-G. GRCh37 (hg19) VCF-style: chr19-33351511-C-G.
Other names: c.749+1G>C (NM_001126335.2, NM_001243036.2).
Identifiers: ClinVar variation 402239 (VCV000402239.2), dbSNP rs1060499787, ClinGen allele CA16609556.
Genomic context (GRCh38, chr19:32,860,605, plus strand): 5'-CACCAGGAGAAGAGAAATCAGGCTGCCCGGCTACTGTCCTCTGCACTGATTCAGCTGTTA[C>G]CTGTAAGGGTTTCTAAGTTCTTCTGTGATGTAATTGAGTTGATTCCTGGAAAAAGGAAAG-3'

ClinVar aggregate classification (germline): Likely pathogenic. Review status: criteria provided, multiple submitters, no conflicts (2 of 4 stars). 2 submissions from 2 submitters: Likely pathogenic (2). Last evaluated 2021-07-23.

Conditions:
Cystinuria (CSNU). Also called: CYSTINURIA, TYPE I; CYSTINURIA, TYPE II; CYSTINURIA, TYPE III; Cystinuria, non-type I. Identifiers: Orphanet 214, MedGen C0010691, MONDO:0009067, OMIM 220100, HP:0003131.

Allele frequency attached by ClinVar (database versions not stated): gnomAD exomes below 0.00001 and 0.00001.
gnomAD v4.1: 3 of 1,614,138 alleles (0.00019%); highest among the groups gnomAD compares: Non-Finnish European, 0.00025%; no homozygotes.

Submissions (2):

Fulgent Genetics
Classification: Likely pathogenic for Cystinuria. Last evaluated: 2021-07-23. Review status: criteria provided, single submitter. Criteria: ACMG Guidelines, 2015. Collection method: clinical testing. Allele origin: unknown.

Knight Diagnostic Laboratories, Oregon Health and Sciences University
Classification: Likely pathogenic for Cystinuria. Last evaluated: 2016-01-27. Review status: criteria provided, single submitter. Criteria: ACMG Guidelines, 2015. Collection method: clinical testing. Allele origin: germline. Affected: no. Study: CSER-NextGen.
Comment: The c.749+1G>C splice-donor site variant in the SLC7A9 gene is novel; however, splice-site variants in this gene have been reported in affected individuals before (Al-Dirbashi et al., 2007; Font et al., 2001; Font-Llitjos et al., 2005), and using RNA functional analysis, one of the splice-variants in this gene has been shown to cause exon skipping (Schmidt et al., 2005). This c.749+1G>C variant has not been reported in the three population databases (Exome Sequencing Project [ESP], 1000 Genomes, and ExAC). Multiple computational algorithms indicate that this variant is present in an evolutionary conserved site and predicts abnormal splicing of the transcript (GERP = 5.64; CADD = 15.36; Human Splice Finder 3.0 = Broken WT Donor Site). Therefore, this collective evidence supports the classification of the c.749+1G>C as a Likely Pathogenic variant for Cystinuria. Because this gene is not expressed in blood, we are unable to perform functional RNA analysis to provide additional evidence for variant classification.